The following is an entry in ClinVar:

ClinVar aggregate classification (germline): Conflicting classifications of pathogenicity. Review status: criteria provided, conflicting classifications (1 of 4 stars). 5 submissions from 5 submitters: Uncertain significance (1); Benign (1); Likely benign (2). 1 of the submissions does not count toward it. Last evaluated 2025-12-28.

Conditions:
Inborn genetic diseases. Identifiers: MedGen C0950123, MeSH D030342.
Cornelia de Lange syndrome 1 (CDLS1). Also called: TYPUS DEGENERATIVUS AMSTELODAMENSIS; Brachmann de Lange syndrome; NIPBL-Related Cornelia de Lange Syndrome. Identifiers: Orphanet 199, MedGen C4551851, MONDO:0007387, OMIM 122470.
Intellectual disability. Also called: Intellectual developmental disorder; Intellectual functioning disability; intellectual disabilities. Identifiers: MedGen C3714756, MeSH D008607, MONDO:0001071, HP:0001249.

Submissions (5):

Labcorp Genetics (formerly Invitae), Labcorp
Classification: Likely benign for Cornelia de Lange syndrome 1. Last evaluated: 2025-12-28. Review status: criteria provided, single submitter. Criteria: Invitae Variant Classification Sherloc (09022015). Collection method: clinical testing. Allele origin: germline.

Athena Diagnostics
Classification: Likely benign. Last evaluated: 2024-12-09. Review status: criteria provided, single submitter. Criteria: Athena Diagnostics Criteria. Collection method: clinical testing. Allele origin: unknown.
Comment: The frequency of this variant in the general population is higher than would generally be expected for pathogenic variants in this gene.

Ambry Genetics
Classification: Benign for Inborn genetic diseases. Last evaluated: 2021-01-20. Review status: criteria provided, single submitter. Criteria: Ambry Variant Classification Scheme 2023. Collection method: clinical testing. Allele origin: germline.

Genetic Services Laboratory, University of Chicago
Classification: Uncertain significance for Cornelia de Lange syndrome 1. Last evaluated: 2013-09-20. Review status: criteria provided, single submitter. Criteria: ACMG Guidelines, 2007. Collection method: clinical testing. Allele origin: germline. Inheritance: Autosomal dominant inheritance.

Centre de Biologie Pathologie Génétique, Centre Hospitalier Universitaire de Lille
Classification: Likely benign for Intellectual disability. Last evaluated: 2019-01-01. Review status: no assertion criteria provided. Collection method: clinical testing. Allele origin: inherited. Affected: yes. Not counted in ClinVar's aggregate classification.

NM_133433.4(NIPBL):c.7524TTCAGA[3] (p.2508DS[3])

Gene: NIPBL (NIPBL cohesin loading factor; plus strand). Cytogenetic location: 5p13.2.
Variant type: Microsatellite.
Coding change: c.7524TTCAGA[3] on transcript NM_133433.4 (MANE Select); three copies in a row of the 6-base unit TTCAGA starting at c.7524; the reference has four copies in a row; one copy, 6 bases deleted.
Protein change: p.2508DS[3].
Molecular consequence: inframe deletion.
Genome position (GRCh38, 1-based): chr5:37,059,022-37,059,027, TTCAGA deleted; deleting any 6 consecutive bases within chr5:37,059,001-37,059,027 gives the same sequence; the position shown is the placement nearest the transcript's 3' end. VCF-style (leftmost placement, unchanged base first): chr5-37059000-TAGATTC-T. GRCh37 (hg19) VCF-style: chr5-37059102-TAGATTC-T.
Other names: c.7542_7547delTTCAGA (NM_133433.3); c.7524TTCAGA[3], p.2508DS[3] (NM_015384.5).
Identifiers: ClinVar variation 159231 (VCV000159231.20), dbSNP rs587784044, ClinGen allele CA272308.
Genomic context (GRCh38, chr5:37,059,000, plus strand): 5'-AAAATGAGTCAAGCGACAGTGAAGAAGAAGTTTCCAGGCCTCGGAAGTCACGGAAACGTG[TAGATTC>T]AGATTCAGATTCAGATTCAGAAGACGATATAAATTCAGTGATGAAATGTTTGCCAGAAAA-3'